The following is an entry in ClinVar:

NM_001849.4(COL6A2):c.2423-11C>T

Gene: COL6A2 (collagen type VI alpha 2 chain; plus strand). Cytogenetic location: 21q22.3.
Variant type: single nucleotide variant.
Coding change: c.2423-11C>T on transcript NM_001849.4 (MANE Select); 11 bases into the intron before coding-DNA position 2423, C replaced by T.
Molecular consequence: intron variant.
Genome position (GRCh38, 1-based): chr21:46,126,492, C>T. VCF-style: chr21-46126492-C-T. GRCh37 (hg19) VCF-style: chr21-47546406-C-T.
Other names: c.2423-11C>T (NM_058175.3, NM_058174.3).
Identifiers: ClinVar variation 510640 (VCV000510640.12), dbSNP rs199952790, ClinGen allele CA10072617.

ClinVar aggregate classification (germline): Benign/Likely benign. Review status: criteria provided, multiple submitters, no conflicts (2 of 4 stars). 3 submissions from 3 submitters: Benign (1); Likely benign (2). Last evaluated 2026-01-18.

Conditions:
Collagen 6-related myopathy. Identifiers: MedGen CN117976, MONDO:0100225.
Bethlem myopathy 1A. Also called: MYOPATHY, BENIGN CONGENITAL, WITH CONTRACTURES; Bethlem myopathy 1; Bethlem Muscular Dystrophy. Identifiers: Orphanet 610, MedGen CN029274, MONDO:0024530, OMIM 158810.

Allele frequency attached by ClinVar (database versions not stated): TOPMed 0.00101; gnomAD exomes 0.00109 and 0.00046; ESP Exome Variant Server 0.00115; ExAC 0.00036; gnomAD 0.00060 and 0.00096.
gnomAD v4.1: 1,629 of 1,556,040 alleles (0.1%); highest among the groups gnomAD compares: Non-Finnish European, 0.13%; 2 homozygotes.

Submissions (3):

Labcorp Genetics (formerly Invitae), Labcorp
Classification: Likely benign for Bethlem myopathy 1A. Last evaluated: 2026-01-18. Review status: criteria provided, single submitter. Criteria: Invitae Variant Classification Sherloc (09022015). Collection method: clinical testing. Allele origin: germline.

GeneDx
Classification: Likely benign. Last evaluated: 2018-02-06. Review status: criteria provided, single submitter. Criteria: GeneDx Variant Classification (06012015). Collection method: clinical testing. Allele origin: germline. Affected: yes.
Comment: This variant is considered likely benign or benign based on one or more of the following criteria: it is a conservative change, it occurs at a poorly conserved position in the protein, it is predicted to be benign by multiple in silico algorithms, and/or has population frequency not consistent with disease.

Illumina Laboratory Services, Illumina
Classification: Benign for Collagen VI-related myopathy. Last evaluated: 2018-01-12. Review status: criteria provided, single submitter. Criteria: ICSL Variant Classification Criteria 13 December 2019. Collection method: clinical testing. Allele origin: germline.
Comment: This variant was observed in the ICSL laboratory as part of a predisposition screen in an ostensibly healthy population. It had not been previously curated by ICSL or reported in the Human Gene Mutation Database (HGMD: prior to June 1st, 2018), and was therefore a candidate for classification through an automated scoring system. Utilizing variant allele frequency, disease prevalence and penetrance estimates, and inheritance mode, an automated score was calculated to assess if this variant is too frequent to cause the disease. Based on the score and internal cut-off values, a variant classified as benign is not then subjected to further curation. The score for this variant resulted in a classification of benign for this disease.